The following is an entry in ClinVar:

ClinVar aggregate classification (germline): Uncertain significance (1 of 4 stars; one submission).

Submission:

Labcorp Genetics (formerly Invitae), Labcorp
Classification: Uncertain significance. Last evaluated: 2021-08-22. Review status: criteria provided, single submitter. Criteria: Invitae Variant Classification Sherloc (09022015). Collection method: clinical testing. Allele origin: germline.
Comment: In summary, the available evidence is currently insufficient to determine the role of this variant in disease. Therefore, it has been classified as a Variant of Uncertain Significance. Experimental studies and prediction algorithms are not available or were not evaluated, and the functional significance of this variant is currently unknown. This variant has not been reported in the literature in individuals with CACNA1F-related conditions. This variant is not present in population databases (ExAC no frequency). This variant, c.2448_2450del, results in the deletion of 1 amino acid(s) of the CACNA1F protein (p.Glu825del), but otherwise preserves the integrity of the reading frame.

NM_001256789.3(CACNA1F):c.2412AGA[1] (p.Glu814del)

Gene: CACNA1F (calcium voltage-gated channel subunit alpha1 F; minus strand). Cytogenetic location: Xp11.23.
Variant type: Microsatellite.
Coding change: c.2412AGA[1] on transcript NM_001256789.3 (MANE Select); one copy of the 3-base unit AGA starting at c.2412; the reference has two copies in a row; one copy, 3 bases deleted.
Protein change: p.Glu814del; deletes glutamic acid 814.
Molecular consequence: inframe deletion.
Genome position (GRCh38, 1-based): chrX:49,219,760-49,219,762, TCT deleted on the plus strand (AGA on the coding strand, the reverse complement: CACNA1F is on the minus strand); deleting any 3 consecutive bases within chrX:49,219,760-49,219,767 gives the same sequence; the position shown is the placement nearest the transcript's 3' end. VCF-style (leftmost placement, unchanged base first): chrX-49219759-CTCT-C. GRCh37 (hg19) VCF-style: chrX-49076218-CTCT-C.
Other names: c.2250AGA[1], p.Glu760del (NM_001256790.3); c.2445AGA[1], p.Glu825del (NM_005183.4); short protein forms E760del, E814del, E825del.
Identifiers: ClinVar variation 1014621 (VCV001014621.8), dbSNP rs375862263, ClinGen allele CA641531874.